The following is an entry in ClinVar:

ClinVar aggregate classification (germline): Likely pathogenic (0 of 4 stars; one submission).

Conditions:
CTNND1-related disorder. Also called: CTNND1-related condition.

Submission:

PreventionGenetics, part of Exact Sciences
Classification: Likely pathogenic for CTNND1-related condition. Last evaluated: 2024-01-05. Review status: no assertion criteria provided. Collection method: clinical testing. Allele origin: germline.
Comment: The CTNND1 c.1098dupA variant is predicted to result in a frameshift and premature protein termination (p.Glu367Argfs*32). To our knowledge, this variant has not been reported in the literature or in a large population database, indicating this variant is rare. Frameshift variants in CTNND1 are expected to be pathogenic. This variant is interpreted as likely pathogenic.

NM_001085458.2(CTNND1):c.1098dup (p.Glu367fs)

Genes: CTNND1 (catenin delta 1; plus strand), TMX2-CTNND1 (TMX2-CTNND1 readthrough (NMD candidate); plus strand). Cytogenetic location: 11q12.1.
Variant type: Duplication.
Coding change: c.1098dup on transcript NM_001085458.2 (MANE Select); coding-DNA position 1098, one base duplicated (A; older notation c.1098dupA).
Protein change: p.Glu367fs; shifts the reading frame from glutamic acid 367.
Molecular consequence: frameshift variant. On other transcripts: non-coding transcript variant (1).
Genome position (GRCh38, 1-based): chr11:57,801,874, A duplicated. VCF-style (leftmost placement, unchanged base first): chr11-57801873-C-CA. GRCh37 (hg19) VCF-style: chr11-57569345-C-CA.
Other names: c.1098dup, p.Glu367fs (NM_001085459.2, NM_001085460.2, NM_001085461.2 and 3 more transcripts); c.795dup, p.Glu266fs (NM_001085463.2, NM_001085464.2, NM_001085465.2 and 5 more transcripts); c.936dup, p.Glu313fs (NM_001206883.2, NM_001206884.2, NM_001206886.2 and 4 more transcripts); short protein forms E266fs, E313fs, E367fs.
Identifiers: ClinVar variation 3033012 (VCV003033012.2), dbSNP rs2497334592, ClinGen allele CA2740093046.
Genomic context (GRCh38, chr11:57,801,873, plus strand): 5'-GTTTAGCAAGCTTGGATAGCCTGCGCAAAGGAGGGCCTCCACCTCCTAATTGGAGACAGC[C>CA]AGAGCTGCCAGAGGTGATCGCCATGCTTGGATTCCGCTTGGATGCTGTCAAGTCCAATGC-3'